The following is an entry in ClinVar:

NM_006739.4(MCM5):c.1109C>A (p.Thr370Asn)

Gene: MCM5 (minichromosome maintenance complex component 5; plus strand). Cytogenetic location: 22q12.3.
Variant type: single nucleotide variant.
Coding change: c.1109C>A on transcript NM_006739.4 (MANE Select); coding-DNA position 1109, C replaced by A.
Protein change: p.Thr370Asn; replaces threonine 370 with asparagine.
Molecular consequence: missense variant.
Genome position (GRCh38, 1-based): chr22:35,413,892, C>A. VCF-style: chr22-35413892-C-A. GRCh37 (hg19) VCF-style: chr22-35809885-C-A.
Other names: short protein forms T370N.
Identifiers: ClinVar variation 2880237 (VCV002880237.3), dbSNP rs776891100, ClinGen allele CA411344965.

ClinVar aggregate classification (germline): Uncertain significance (1 of 4 stars; one submission).

Submission:

Labcorp Genetics (formerly Invitae), Labcorp
Classification: Uncertain significance. Last evaluated: 2024-12-16. Review status: criteria provided, single submitter. Criteria: Invitae Variant Classification Sherloc (09022015). Collection method: clinical testing. Allele origin: germline.
Comment: This sequence change replaces threonine, which is neutral and polar, with asparagine, which is neutral and polar, at codon 370 of the MCM5 protein (p.Thr370Asn). This variant is not present in population databases (gnomAD no frequency). This variant has not been reported in the literature in individuals affected with MCM5-related conditions. ClinVar contains an entry for this variant (Variation ID: 2880237). Invitae Evidence Modeling of protein sequence and biophysical properties (such as structural, functional, and spatial information, amino acid conservation, physicochemical variation, residue mobility, and thermodynamic stability) indicates that this missense variant is not expected to disrupt MCM5 protein function with a negative predictive value of 80%. In summary, the available evidence is currently insufficient to determine the role of this variant in disease. Therefore, it has been classified as a Variant of Uncertain Significance.